The following is an entry in ClinVar:

NM_002907.4(RECQL):c.1265A>G (p.Asp422Gly)

Gene: RECQL (RecQ like helicase; minus strand). Cytogenetic location: 12p12.1.
Variant type: single nucleotide variant.
Coding change: c.1265A>G on transcript NM_002907.4 (MANE Select); coding-DNA position 1265, A replaced by G.
Protein change: p.Asp422Gly; replaces aspartic acid 422 with glycine.
Molecular consequence: missense variant.
Genome position (GRCh38, 1-based): chr12:21,474,931, T>C on the plus strand (A>G on the coding strand, the complement: RECQL is on the minus strand). VCF-style: chr12-21474931-T-C. GRCh37 (hg19) VCF-style: chr12-21627865-T-C.
Other names: c.1265A>G, p.Asp422Gly (NM_032941.3); short protein forms D422G.
Identifiers: ClinVar variation 1763982 (VCV001763982.2), dbSNP rs746304101, ClinGen allele CA384118711.
Genomic context (GRCh38, chr12:21,474,931, plus strand): 5'-TCATAAAGCTTCTGCTGTCCCACATTTTCCATCACCACCATTGAACTTATTCTGAATATA[T>C]CTCCAAAGCCGTAGTACAAAATACAGTCTGCTTTCATGTCATCTCGACCTGTGGTGTGAG-3'
Protein context (NP_002898.2, residues 412-432): ADCILYYGFG[Asp422Gly]IFRISSMVVM

ClinVar aggregate classification (germline): Uncertain significance (1 of 4 stars; one submission).

Submission:

Ambry Genetics
Classification: Uncertain significance. Last evaluated: 2022-09-04. Review status: criteria provided, single submitter. Criteria: Ambry Variant Classification Scheme 2023. Collection method: clinical testing. Allele origin: germline.
Comment: The p.D422G variant (also known as c.1265A>G), located in coding exon 10 of the RECQL gene, results from an A to G substitution at nucleotide position 1265. The aspartic acid at codon 422 is replaced by glycine, an amino acid with similar properties. This amino acid position is conserved. In addition, this alteration is predicted to be deleterious by in silico analysis. Since supporting evidence is limited at this time, the clinical significance of this alteration remains unclear.